The following is an entry in ClinVar:

NM_001792.5(CDH2):c.399+3A>G

Gene: CDH2 (cadherin 2; minus strand). Cytogenetic location: 18q12.1.
Variant type: single nucleotide variant.
Coding change: c.399+3A>G on transcript NM_001792.5 (MANE Select); 3 bases into the intron after coding-DNA position 399, A replaced by G.
Molecular consequence: intron variant.
Genome position (GRCh38, 1-based): chr18:28,013,680, T>C on the plus strand (A>G on the coding strand, the complement: CDH2 is on the minus strand). VCF-style: chr18-28013680-T-C. GRCh37 (hg19) VCF-style: chr18-25593644-T-C.
Other names: c.399+3A>G (NM_001792.4); c.306+3A>G (NM_001308176.2).
Identifiers: ClinVar variation 1590460 (VCV001590460.38), dbSNP rs200907338, ClinGen allele CA8923706.

ClinVar aggregate classification (germline): Likely benign. Review status: criteria provided, multiple submitters, no conflicts (2 of 4 stars). 4 submissions from 4 submitters: Likely benign (4). Last evaluated 2026-04-02.

Conditions:
CDH2-related disorder. Also called: CDH2-related condition.

Allele frequency attached by ClinVar (database versions not stated): TOPMed 0.00053; gnomAD 0.00056 and 0.00060; gnomAD exomes 0.00064 and 0.00095; ESP Exome Variant Server 0.00077; ExAC 0.00079.
gnomAD v4.1: 1,503 of 1,602,288 alleles (0.094%); highest among the groups gnomAD compares: Non-Finnish European, 0.11%; no homozygotes.

Submissions (4):

PreventionGenetics, part of Exact Sciences
Classification: Likely benign for CDH2-related condition. Last evaluated: 2026-04-02. Review status: criteria provided, single submitter. Criteria: ACMG Guidelines, 2015. Collection method: clinical testing. Allele origin: germline.
Comment: This variant is classified as likely benign based on ACMG/AMP sequence variant interpretation guidelines (Richards et al. 2015 PMID: 25741868, with internal and published modifications).

Labcorp Genetics (formerly Invitae), Labcorp
Classification: Likely benign. Last evaluated: 2026-01-25. Review status: criteria provided, single submitter. Criteria: Invitae Variant Classification Sherloc (09022015). Collection method: clinical testing. Allele origin: germline.

CeGaT Center for Human Genetics Tuebingen
Classification: Likely benign. Last evaluated: 2026-01-01. Review status: criteria provided, single submitter. Criteria: CeGaT Center For Human Genetics Tuebingen Variant Classification Criteria Version 2. Collection method: clinical testing. Allele origin: germline. Affected: yes. Observed: 4 variant alleles.
Comment: CDH2: BP4, BS1

Blueprint Genetics
Classification: Likely benign. Last evaluated: 2024-11-21. Review status: criteria provided, single submitter. Criteria: ACMG Guidelines, 2015. Collection method: clinical testing. Allele origin: germline.